The following is an entry in ClinVar:

ClinVar aggregate classification (germline): Uncertain significance (1 of 4 stars; one submission).

Conditions:
Perlman syndrome (PRLMNS). Identifiers: Orphanet 2849, MedGen C0796113, MONDO:0009965, OMIM 267000.

Submission:

Labcorp Genetics (formerly Invitae), Labcorp
Classification: Uncertain significance for Perlman syndrome. Last evaluated: 2023-08-01. Review status: criteria provided, single submitter. Criteria: Invitae Variant Classification Sherloc (09022015). Collection method: clinical testing. Allele origin: germline.
Comment: In summary, the available evidence is currently insufficient to determine the role of this variant in disease. Therefore, it has been classified as a Variant of Uncertain Significance. Advanced modeling of protein sequence and biophysical properties (such as structural, functional, and spatial information, amino acid conservation, physicochemical variation, residue mobility, and thermodynamic stability) performed at Invitae indicates that this missense variant is not expected to disrupt DIS3L2 protein function. This variant has not been reported in the literature in individuals affected with DIS3L2-related conditions. This variant is not present in population databases (gnomAD no frequency). This sequence change replaces arginine, which is basic and polar, with leucine, which is neutral and non-polar, at codon 487 of the DIS3L2 protein (p.Arg487Leu).

NM_152383.5(DIS3L2):c.1460G>T (p.Arg487Leu)

Gene: DIS3L2 (DIS3 like 3'-5' exoribonuclease 2; plus strand). Cytogenetic location: 2q37.1.
Variant type: single nucleotide variant.
Coding change: c.1460G>T on transcript NM_152383.5 (MANE Select); coding-DNA position 1460, G replaced by T.
Protein change: p.Arg487Leu; replaces arginine 487 with leucine.
Molecular consequence: missense variant. On other transcripts: non-coding transcript variant (2).
Genome position (GRCh38, 1-based): chr2:232,263,241, G>T. VCF-style: chr2-232263241-G-T. GRCh37 (hg19) VCF-style: chr2-233127951-G-T.
Other names: c.1460G>T, p.Arg487Leu (NM_001257281.2); short protein forms R487L.
Identifiers: ClinVar variation 2747960 (VCV002747960.3), dbSNP rs146752869, ClinGen allele CA350975222.
Genomic context (GRCh38, chr2:232,263,241, plus strand): 5'-CCCTTGTAATCTGTCCATCTTTGCAGATCCTTGATGAATGGTTTGGCCGGACCATCATCC[G>T]CTCCTGCACCAAACTTAGCTACGAGCATGCACAGAGCATGATTGAAAGCCCAACTGAGAA-3'
Protein context (NP_689596.4, residues 477-497): LDEWFGRTII[Arg487Leu]SCTKLSYEHA